The following is an entry in ClinVar:

NM_001009944.3(PKD1):c.1710C>A (p.His570Gln)

Gene: PKD1 (polycystin 1, transient receptor potential channel interacting; minus strand). Cytogenetic location: 16p13.3.
Variant type: single nucleotide variant.
Coding change: c.1710C>A on transcript NM_001009944.3 (MANE Select); coding-DNA position 1710, C replaced by A.
Protein change: p.His570Gln; replaces histidine 570 with glutamine.
Molecular consequence: missense variant.
Genome position (GRCh38, 1-based): chr16:2,116,541, G>T on the plus strand (C>A on the coding strand, the complement: PKD1 is on the minus strand). VCF-style: chr16-2116541-G-T. GRCh37 (hg19) VCF-style: chr16-2166542-G-T.
Other names: c.1710C>A, p.His570Gln (NM_000296.4); short protein forms H570Q.
Identifiers: ClinVar variation 2507380 (VCV002507380.3), dbSNP rs367983387, ClinGen allele CA7833445.

ClinVar aggregate classification (germline): Uncertain significance (1 of 4 stars; one submission).

Submission:

GeneDx
Classification: Uncertain significance. Last evaluated: 2026-08-22. Review status: criteria provided, single submitter. Criteria: GeneDx Variant Classification Process June 2021. Collection method: clinical testing. Allele origin: germline.
Comment: In silico analysis suggests that this missense variant does not alter protein structure/function; Has not been previously published as pathogenic or benign to our knowledge